The following is an entry in ClinVar:

ClinVar aggregate classification (germline): Uncertain significance (1 of 4 stars; one submission).

Allele frequency attached by ClinVar (database versions not stated): ExAC 0.00003.
gnomAD v4.1: 8 of 1,613,738 alleles (0.0005%); highest among the groups gnomAD compares: Admixed American, 0.013%; no homozygotes.

Submission:

Labcorp Genetics (formerly Invitae), Labcorp
Classification: Uncertain significance. Last evaluated: 2023-03-02. Review status: criteria provided, single submitter. Criteria: Invitae Variant Classification Sherloc (09022015). Collection method: clinical testing. Allele origin: germline.
Comment: This variant is present in population databases (rs780578381, gnomAD 0.02%). In summary, the available evidence is currently insufficient to determine the role of this variant in disease. Therefore, it has been classified as a Variant of Uncertain Significance. Advanced modeling of protein sequence and biophysical properties (such as structural, functional, and spatial information, amino acid conservation, physicochemical variation, residue mobility, and thermodynamic stability) performed at Invitae indicates that this missense variant is expected to disrupt ELOVL1 protein function. This variant has not been reported in the literature in individuals affected with ELOVL1-related conditions. This sequence change replaces threonine, which is neutral and polar, with asparagine, which is neutral and polar, at codon 32 of the ELOVL1 protein (p.Thr32Asn).

NM_022821.4(ELOVL1):c.95C>A (p.Thr32Asn)

Gene: ELOVL1 (ELOVL fatty acid elongase 1; minus strand). Cytogenetic location: 1p34.2.
Variant type: single nucleotide variant.
Coding change: c.95C>A on transcript NM_022821.4 (MANE Select); coding-DNA position 95, C replaced by A.
Protein change: p.Thr32Asn; replaces threonine 32 with asparagine.
Molecular consequence: missense variant. On other transcripts: non-coding transcript variant (1), intron variant (1).
Genome position (GRCh38, 1-based): chr1:43,365,328, G>T on the plus strand (C>A on the coding strand, the complement: ELOVL1 is on the minus strand). VCF-style: chr1-43365328-G-T. GRCh37 (hg19) VCF-style: chr1-43830999-G-T.
Other names: c.95C>A, p.Thr32Asn (NM_001256399.2, NM_001256401.2); c.-7+236C>A (NM_001256402.2); short protein forms T32N.
Identifiers: ClinVar variation 2713711 (VCV002713711.3), dbSNP rs780578381, ClinGen allele CA807696.